The following is an entry in ClinVar:

ClinVar aggregate classification (germline): Uncertain significance (1 of 4 stars; one submission).

Submission:

Labcorp Genetics (formerly Invitae), Labcorp
Classification: Uncertain significance. Last evaluated: 2021-05-08. Review status: criteria provided, single submitter. Criteria: Invitae Variant Classification Sherloc (09022015). Collection method: clinical testing. Allele origin: germline.
Comment: In summary, the available evidence is currently insufficient to determine the role of this variant in disease. Therefore, it has been classified as a Variant of Uncertain Significance. Algorithms developed to predict the effect of sequence changes on RNA splicing suggest that this variant may create or strengthen a splice site, but this prediction has not been confirmed by published transcriptional studies. Algorithms developed to predict the effect of missense changes on protein structure and function are either unavailable or do not agree on the potential impact of this missense change (SIFT: "Deleterious"; PolyPhen-2: "Benign"; Align-GVGD: "Class C65"). This variant has not been reported in the literature in individuals with NBAS-related conditions. This variant is not present in population databases (ExAC no frequency). This sequence change replaces glycine with valine at codon 492 of the NBAS protein (p.Gly492Val). The glycine residue is highly conserved and there is a moderate physicochemical difference between glycine and valine.

NM_015909.4(NBAS):c.1475G>T (p.Gly492Val)

Gene: NBAS (NBAS subunit of NRZ tethering complex; minus strand). Cytogenetic location: 2p24.3.
Variant type: single nucleotide variant.
Coding change: c.1475G>T on transcript NM_015909.4 (MANE Select); coding-DNA position 1475, G replaced by T.
Protein change: p.Gly492Val; replaces glycine 492 with valine.
Molecular consequence: missense variant. On other transcripts: non-coding transcript variant (1).
Genome position (GRCh38, 1-based): chr2:15,474,191, C>A on the plus strand (G>T on the coding strand, the complement: NBAS is on the minus strand). VCF-style: chr2-15474191-C-A. GRCh37 (hg19) VCF-style: chr2-15614315-C-A.
Other names: short protein forms G492V.
Identifiers: ClinVar variation 1489660 (VCV001489660.8), dbSNP rs2148585610, ClinGen allele CA345888451.
Genomic context (GRCh38, chr2:15,474,191, plus strand): 5'-ATGGTTCGTGGGCGTTTCCGTGGTGGTGCAAATCGCTCCATTTCAGTCACCAAGTAAAGG[C>A]CCTGTTTTATATAACCAAAGTAGCGAGCCTTGGCAGATATTTCATAATCAGAATCAGAAT-3'
Protein context (NP_056993.2, residues 482-502): KARYFGYIKQ[Gly492Val]LYLVTEMERF